The following is an entry in ClinVar:

NM_000203.5(IDUA):c.734C>T (p.Thr245Ile)

Gene: IDUA (alpha-L-iduronidase; plus strand). Cytogenetic location: 4p16.3.
Variant type: single nucleotide variant.
Coding change: c.734C>T on transcript NM_000203.5 (MANE Select); coding-DNA position 734, C replaced by T.
Protein change: p.Thr245Ile; replaces threonine 245 with isoleucine.
Molecular consequence: missense variant. On other transcripts: non-coding transcript variant (1).
Genome position (GRCh38, 1-based): chr4:1,001,823, C>T. VCF-style: chr4-1001823-C-T. GRCh37 (hg19) VCF-style: chr4-995611-C-T.
Other names: c.338C>T, p.Thr113Ile (NM_001363576.1); short protein forms T113I, T245I.
Identifiers: ClinVar variation 1364584 (VCV001364584.6), dbSNP rs1226615259, ClinGen allele CA355962162.

ClinVar aggregate classification (germline): Uncertain significance (1 of 4 stars; one submission).

Conditions:
Mucopolysaccharidosis type 1. Also called: IDUA deficiency; MPS I; Mucopolysaccharidosis Type I. Identifiers: Orphanet 579, MedGen C0023786, MONDO:0001586.

gnomAD v4.1: 3 of 1,605,508 alleles (0.00019%); highest among the groups gnomAD compares: Non-Finnish European, 0.00025%; no homozygotes.

Submission:

Labcorp Genetics (formerly Invitae), Labcorp
Classification: Uncertain significance for Mucopolysaccharidosis type 1. Last evaluated: 2024-10-25. Review status: criteria provided, single submitter. Criteria: Invitae Variant Classification Sherloc (09022015). Collection method: clinical testing. Allele origin: germline.
Comment: This sequence change replaces threonine, which is neutral and polar, with isoleucine, which is neutral and non-polar, at codon 245 of the IDUA protein (p.Thr245Ile). The frequency data for this variant in the population databases is considered unreliable, as metrics indicate poor data quality at this position in the gnomAD database. This variant has not been reported in the literature in individuals affected with IDUA-related conditions. ClinVar contains an entry for this variant (Variation ID: 1364584). Invitae Evidence Modeling of protein sequence and biophysical properties (such as structural, functional, and spatial information, amino acid conservation, physicochemical variation, residue mobility, and thermodynamic stability) has been performed for this missense variant. However, the output from this modeling did not meet the statistical confidence thresholds required to predict the impact of this variant on IDUA protein function. In summary, the available evidence is currently insufficient to determine the role of this variant in disease. Therefore, it has been classified as a Variant of Uncertain Significance.